The following is an entry in ClinVar:

NM_001378609.3(OTOGL):c.1396G>T (p.Val466Leu)

Gene: OTOGL (otogelin like; plus strand). Cytogenetic location: 12q21.31.
Variant type: single nucleotide variant.
Coding change: c.1396G>T on transcript NM_001378609.3 (MANE Select); coding-DNA position 1396, G replaced by T.
Protein change: p.Val466Leu; replaces valine 466 with leucine.
Molecular consequence: missense variant.
Genome position (GRCh38, 1-based): chr12:80,254,525, G>T. VCF-style: chr12-80254525-G-T. GRCh37 (hg19) VCF-style: chr12-80648305-G-T.
Other names: c.1396G>T, p.Val466Leu (NM_001368062.3, NM_001378610.3, NM_173591.7); short protein forms V457L, V466L.
Identifiers: ClinVar variation 229111 (VCV000229111.5), dbSNP rs760941023, ClinGen allele CA6700452.
Genomic context (GRCh38, chr12:80,254,525, plus strand): 5'-GCAAACATTAATACAGTTTCTCTATGCCAATAGATTAATATTTTTATAATTTCTTTTAGT[G>T]TGTGTGTTGGTGGAGTTTGGAACTGCACTGAGCAAGACTGTCCAGGTAATTTTTTAAAAT-3'
Protein context (NP_001365538.2, residues 456-476): SKIEQECTEC[Val466Leu]CVGGVWNCTE

ClinVar aggregate classification (germline): Uncertain significance (1 of 4 stars; one submission).

Allele frequency attached by ClinVar (database versions not stated): ExAC 0.00001; gnomAD 0.00001; gnomAD exomes 0.00001 and 0.00004; TOPMed 0.00002.
gnomAD v4.1: 58 of 1,604,814 alleles (0.0036%); highest among the groups gnomAD compares: Non-Finnish European, 0.0049%; no homozygotes.

Submission:

Laboratory for Molecular Medicine, Mass General Brigham Personalized Medicine
Classification: Uncertain significance. Last evaluated: 2015-12-24. Review status: criteria provided, single submitter. Criteria: LMM Criteria. Collection method: clinical testing. Allele origin: germline. Observed: 1 variant allele.
Comment: The p.Val457Leu variant in OTOGL has not been previously reported in individuals with hearing loss, but has been identified in 1/63270 European chromosomes by t he Exome Aggregation Consortium (ExAC; dbSNP rs7 60941023). Although this variant has been seen in the general population, its fr equency is not high enough to rule out a pathogenic role. Computational predict ion tools and conservation analysis do not provide strong support for or against an impact to the protein. In summary, the clinical significance of the p.Val457 Leu variant is uncertain.